The following is an entry in ClinVar:

ClinVar aggregate classification (germline): Uncertain significance (1 of 4 stars; one submission).

Conditions:
Arrhythmogenic cardiomyopathy with wooly hair and keratoderma. Also called: Dilated cardiomyopathy with woolly hair and keratoderma; Carvajal syndrome; Arrhythmogenic cardiomyopathy with woolly hair and keratoderma; PALMOPLANTAR KERATODERMA WITH LEFT VENTRICULAR CARDIOMYOPATHY AND WOOLLY HAIR. Identifiers: Orphanet 65282, MedGen C1854063, MONDO:0011581, OMIM 605676.
Arrhythmogenic right ventricular dysplasia 8 (ARVD8). Also called: Arrhythmogenic Right Ventricular Dysplasia/Cardiomyopathy 8; ARRHYTHMOGENIC RIGHT VENTRICULAR DYSPLASIA, FAMILIAL, 8; ARRHYTHMOGENIC RIGHT VENTRICULAR CARDIOMYOPATHY 8. Identifiers: MedGen C1843896, MONDO:0011831, OMIM 607450.

Allele frequency attached by ClinVar (database versions not stated): gnomAD exomes below 0.00001.
gnomAD v4.1: 1 of 1,614,116 alleles (0.000062%); highest among the groups gnomAD compares: Non-Finnish European, 0.000085%; no homozygotes.

Submission:

Labcorp Genetics (formerly Invitae), Labcorp
Classification: Uncertain significance for Arrhythmogenic cardiomyopathy with wooly hair and keratoderma; Arrhythmogenic right ventricular dysplasia 8. Last evaluated: 2025-11-13. Review status: criteria provided, single submitter. Criteria: Invitae Variant Classification Sherloc (09022015). Collection method: clinical testing. Allele origin: germline.
Comment: This sequence change replaces valine, which is neutral and non-polar, with glycine, which is neutral and non-polar, at codon 2141 of the DSP protein (p.Val2141Gly). This variant is not present in population databases (gnomAD no frequency). This variant has not been reported in the literature in individuals affected with DSP-related conditions. ClinVar contains an entry for this variant (Variation ID: 1004036). An algorithm developed to predict the effect of missense changes on protein structure and function (PolyPhen-2) suggests that this variant is likely to be disruptive. In summary, the available evidence is currently insufficient to determine the role of this variant in disease. Therefore, it has been classified as a Variant of Uncertain Significance.

NM_004415.4(DSP):c.6422T>G (p.Val2141Gly)

Gene: DSP (desmoplakin; plus strand). Cytogenetic location: 6p24.3.
Variant type: single nucleotide variant.
Coding change: c.6422T>G on transcript NM_004415.4 (MANE Select); coding-DNA position 6422, T replaced by G.
Protein change: p.Val2141Gly; replaces valine 2141 with glycine.
Molecular consequence: missense variant.
Genome position (GRCh38, 1-based): chr6:7,583,684, T>G. VCF-style: chr6-7583684-T-G. GRCh37 (hg19) VCF-style: chr6-7583917-T-G.
Other names: c.4625T>G, p.Val1542Gly (NM_001008844.3); c.5093T>G, p.Val1698Gly (NM_001319034.2); short protein forms V1542G, V1698G, V2141G.
Identifiers: ClinVar variation 1004036 (VCV001004036.9), dbSNP rs1759532262, ClinGen allele CA362690760.
Genomic context (GRCh38, chr6:7,583,684, plus strand): 5'-GAATGCGCCTGCTGGAAGCCCAGATTGCTTCAGGGGGTGTAGTAGACCCTGTGAACAGTG[T>G]CTTTTTGCCAAAAGATGTCGCCTTGGCCCGGGGGCTGATTGATAGAGATTTGTATCGATC-3'
Protein context (NP_004406.2, residues 2131-2151): SGGVVDPVNS[Val2141Gly]FLPKDVALAR